The following is an entry in ClinVar:

ClinVar aggregate classification (germline): Uncertain significance. Review status: criteria provided, multiple submitters, no conflicts (2 of 4 stars). 2 submissions from 2 submitters: Uncertain significance (2). Last evaluated 2025-08-21.

Conditions:
SEMA3F-related disorder. Also called: SEMA3F-related condition.

gnomAD v4.1: 1 of 1,613,652 alleles (0.000062%); no homozygotes.

Submissions (2):

Ambry Genetics
Classification: Uncertain significance. Last evaluated: 2025-08-21. Review status: criteria provided, single submitter. Criteria: Ambry Variant Classification Scheme 2023. Collection method: clinical testing. Allele origin: germline.

PreventionGenetics, part of Exact Sciences
Classification: Uncertain significance for SEMA3F-related condition. Last evaluated: 2025-07-20. Review status: criteria provided, single submitter. Criteria: ACMG Guidelines, 2015. Collection method: clinical testing. Allele origin: germline.
Comment: The SEMA3F c.346G>A variant is predicted to result in the amino acid substitution p.Gly116Arg. To our knowledge, this variant has not been reported in the literature or in a large population database (gnomAD), indicating this variant is rare. At this time, the clinical significance of this variant is uncertain due to the absence of conclusive functional and genetic evidence.

NM_004186.5(SEMA3F):c.346G>A (p.Gly116Arg)

Gene: SEMA3F (semaphorin 3F; plus strand). Cytogenetic location: 3p21.31.
Variant type: single nucleotide variant.
Coding change: c.346G>A on transcript NM_004186.5 (MANE Select); coding-DNA position 346, G replaced by A.
Protein change: p.Gly116Arg; replaces glycine 116 with arginine.
Molecular consequence: missense variant.
Genome position (GRCh38, 1-based): chr3:50,174,240, G>A. VCF-style: chr3-50174240-G-A. GRCh37 (hg19) VCF-style: chr3-50211673-G-A.
Other names: c.346G>A (NM_004186.4); c.142G>A, p.Gly48Arg (NM_001318798.2); c.346G>A, p.Gly116Arg (NM_001318800.2); short protein forms G116R, G48R.
Identifiers: ClinVar variation 4162130 (VCV004162130.2).